The following is an entry in ClinVar:

ClinVar aggregate classification (germline): Conflicting classifications of pathogenicity. Review status: criteria provided, conflicting classifications (1 of 4 stars). 3 submissions from 3 submitters: Uncertain significance (2); Likely benign (1). Last evaluated 2025-09-24.

Conditions:
Hereditary cancer-predisposing syndrome. Also called: Neoplastic Syndromes, Hereditary; Hereditary Cancer Syndrome; Tumor predisposition; Hereditary neoplastic syndrome. Identifiers: Orphanet 140162, MedGen C0027672, MeSH D009386, MONDO:0015356.
Ataxia-telangiectasia syndrome (AT). Also called: LOUIS-BAR SYNDROME; Cerebello-oculocutaneous telangiectasia; Immunodeficiency with ataxia telangiectasia; Ataxia-telangiectasia, complementation group D; AT, COMPLEMENTATION GROUP C; Ataxia-telangiectasia, complementation group E. Identifiers: Orphanet 100, MedGen C0004135, MONDO:0008840, OMIM 208900.

Submissions (3):

Labcorp Genetics (formerly Invitae), Labcorp
Classification: Likely benign for Ataxia-telangiectasia syndrome. Last evaluated: 2025-09-24. Review status: criteria provided, single submitter. Criteria: Invitae Variant Classification Sherloc (09022015). Collection method: clinical testing. Allele origin: germline.

Ambry Genetics
Classification: Uncertain significance for Hereditary cancer-predisposing syndrome. Last evaluated: 2023-03-28. Review status: criteria provided, single submitter. Criteria: Ambry Variant Classification Scheme 2023. Collection method: clinical testing. Allele origin: germline.
Comment: The c.8269-5T>G intronic variant results from a T to G substitution 5 nucleotides upstream from coding exon 56 in the ATM gene. This alteration was identified in an individual diagnosed with ovarian cancer (Feliubadal&oacute; L et al. Clin Chem, 2021 Mar;67:518-533). This nucleotide position is not well conserved in available vertebrate species. In silico splice site analysis predicts that this alteration may weaken the native splice acceptor site; however, direct evidence is insufficient at this time (Ambry internal data). Since supporting evidence is limited at this time, the clinical significance of this alteration remains unclear.

Spanish ATM Cancer Susceptibility Variant Interpretation Working Group
Classification: Uncertain significance for Hereditary cancer-predisposing syndrome. Last evaluated: 2020-06-17. Review status: criteria provided, single submitter. Criteria: Feliubadaló L et al. (Clin Chem 2021). Collection method: clinical testing. Allele origin: germline. Affected: yes. Observed: 1 heterozygote.
Comment: The c.8269-5T>G (p.?) variant is absent from the gnomAD v2.1.1 non-cancer dataset, in a position with adequate coverage (>20x) (PM2). The in silico splicing effect prediction for this intronic variant is inconclusive and there is no other supporting data that meet criteria for consideration. Therefore, the clinical significance of this variant is uncertain. Adapted ACMG/AMP rules applied as defined by the Spanish ATM working group: PM2 (PMID: 33280026).

Literature cited by the submitters: PubMed 33280026 (cited by Ambry Genetics).

NM_000051.4(ATM):c.8269-5T>G

Genes: ATM (ATM serine/threonine kinase; plus strand), C11orf65 (chromosome 11 open reading frame 65; minus strand). Cytogenetic location: 11q22.3.
Variant type: single nucleotide variant.
Coding change: c.8269-5T>G on transcript NM_000051.4 (MANE Select); 5 bases into the intron before coding-DNA position 8269, T replaced by G.
Molecular consequence: intron variant.
Genome position (GRCh38, 1-based): chr11:108,343,217, T>G. VCF-style: chr11-108343217-T-G. GRCh37 (hg19) VCF-style: chr11-108213944-T-G.
Other names: c.8269-5T>G (NM_001351834.2); c.641-34146A>C (NM_001330368.2); c.695-7925A>C (NM_001351110.2).
Identifiers: ClinVar variation 482603 (VCV000482603.15), dbSNP rs1555135331, ClinGen allele CA658656234.